The following is an entry in ClinVar:

NM_000038.6(APC):c.5151del (p.Ala1718fs)

Gene: APC (APC regulator of Wnt signaling pathway; plus strand). Cytogenetic location: 5q22.2.
Variant type: Deletion.
Coding change: c.5151del on transcript NM_000038.6 (MANE Select); coding-DNA position 5151, one base deleted (A; older notation c.5151delA).
Protein change: p.Ala1718fs; shifts the reading frame from alanine 1718.
Molecular consequence: frameshift variant. On other transcripts: non-coding transcript variant (2).
Genome position (GRCh38, 1-based): chr5:112,840,745, A deleted; the last of 3 consecutive A bases (chr5:112,840,743-112,840,745); deleting any one gives the same sequence. VCF-style (leftmost placement, unchanged base first): chr5-112840742-TA-T. GRCh37 (hg19) VCF-style: chr5-112176439-TA-T.
Other names: c.5151del, p.Ala1718fs (NM_001127510.3, NM_001354895.2, NM_001407450.1); c.5097del, p.Ala1700fs (NM_001127511.3); c.5205del, p.Ala1736fs (NM_001354896.2, NM_001407447.1, NM_001407448.1 and 1 more transcripts); c.5181del, p.Ala1728fs (NM_001354897.2); c.5076del, p.Ala1693fs (NM_001354898.2); c.5067del, p.Ala1690fs (NM_001354899.2); c.5028del, p.Ala1677fs (NM_001354900.2); c.4974del, p.Ala1659fs (NM_001354901.2, NM_001407453.1); and 11 more; short protein forms A1435fs, A1558fs, A1592fs, A1690fs, A1693fs, A1700fs, A1711fs, A1718fs.
Identifiers: ClinVar variation 3408200 (VCV003408200.1).

ClinVar aggregate classification (germline): Likely pathogenic (1 of 4 stars; one submission).

Conditions:
Hereditary cancer-predisposing syndrome. Also called: Neoplastic Syndromes, Hereditary; Tumor predisposition; Hereditary Cancer Syndrome; Hereditary neoplastic syndrome. Identifiers: Orphanet 140162, MedGen C0027672, MeSH D009386, MONDO:0015356.

Submission:

Ambry Genetics
Classification: Likely pathogenic for Hereditary cancer-predisposing syndrome. Last evaluated: 2024-11-26. Review status: criteria provided, single submitter. Criteria: Ambry Variant Classification Scheme 2023. Collection method: clinical testing. Allele origin: germline.
Comment: The c.5151delA variant, located in coding exon 15 of the APC gene, results from a deletion of one nucleotide at nucleotide position 5151, causing a translational frameshift with a predicted alternate stop codon (p.A1718Qfs*26). This alteration occurs at the 3' terminus of the APC gene, is not expected to trigger nonsense-mediated mRNA decay, and only impacts the last 40% of the protein. However, premature stop codons are typically deleterious in nature and a significant portion of the protein is affected (Ambry internal data). This variant is considered to be rare based on population cohorts in the Genome Aggregation Database (gnomAD). Based on the majority of available evidence to date, this variant is likely to be pathogenic.